The following is an entry in ClinVar:

NM_052947.4(ALPK2):c.4391A>C (p.Glu1464Ala)

Genes: ALPK2 (alpha kinase 2; minus strand), LOC126862764 (BRD4-independent group 4 enhancer GRCh37_chr18:56202574-56203773; plus strand). Cytogenetic location: 18q21.31.
Variant type: single nucleotide variant.
Coding change: c.4391A>C on transcript NM_052947.4 (MANE Select); coding-DNA position 4391, A replaced by C.
Protein change: p.Glu1464Ala; replaces glutamic acid 1464 with alanine.
Molecular consequence: missense variant.
Genome position (GRCh38, 1-based): chr18:58,535,796, T>G on the plus strand (A>C on the coding strand, the complement: ALPK2 is on the minus strand). VCF-style: chr18-58535796-T-G. GRCh37 (hg19) VCF-style: chr18-56203028-T-G.
Other names: short protein forms E1464A.
Identifiers: ClinVar variation 3228740 (VCV003228740.1), dbSNP rs980871325, ClinGen allele CA300926531.

ClinVar aggregate classification (germline): Uncertain significance (1 of 4 stars; one submission).

Submission:

Ambry Genetics
Classification: Uncertain significance. Last evaluated: 2023-10-06. Review status: criteria provided, single submitter. Criteria: Ambry Variant Classification Scheme 2023. Collection method: clinical testing. Allele origin: germline.
Comment: The p.E1464A variant (also known as c.4391A>C), located in coding exon 4 of the ALPK2 gene, results from an A to C substitution at nucleotide position 4391. The glutamic acid at codon 1464 is replaced by alanine, an amino acid with dissimilar properties. This amino acid position is conserved. In addition, this alteration is predicted to be tolerated by in silico analysis. Since supporting evidence is limited at this time, the clinical significance of this alteration remains unclear.